The following is an entry in ClinVar:

NM_014704.4(CEP104):c.1953C>T (p.Asp651=)

Genes: CEP104 (centrosomal protein 104; minus strand), LOC126805586 (CDK7 strongly-dependent group 2 enhancer GRCh37_chr1:3745882-3747081; plus strand). Cytogenetic location: 1p36.32.
Variant type: single nucleotide variant.
Coding change: c.1953C>T on transcript NM_014704.4 (MANE Select); coding-DNA position 1953, C replaced by T.
Protein change: p.Asp651=; no amino-acid change (aspartic acid 651 retained).
Molecular consequence: synonymous variant.
Genome position (GRCh38, 1-based): chr1:3,829,881, G>A on the plus strand (C>T on the coding strand, the complement: CEP104 is on the minus strand). VCF-style: chr1-3829881-G-A. GRCh37 (hg19) VCF-style: chr1-3746445-G-A.
Other names: c.1953C>T (NM_014704.3).
Identifiers: ClinVar variation 1103945 (VCV001103945.18), dbSNP rs187512647, ClinGen allele CA551463.

ClinVar aggregate classification (germline): Likely benign. Review status: criteria provided, multiple submitters, no conflicts (2 of 4 stars). 4 submissions from 4 submitters: Likely benign (3). 1 of the submissions does not count toward it. Last evaluated 2026-05-01.

Conditions:
Joubert syndrome 25 (JBTS25). Identifiers: Orphanet 475, MedGen C4084842, MONDO:0014770, OMIM 616781.
CEP104-related disorder. Also called: CEP104-related condition.

Allele frequency attached by ClinVar (database versions not stated): ESP Exome Variant Server 0.00008; gnomAD exomes 0.00010; ExAC 0.00012; gnomAD 0.00015; 1000 Genomes Project 0.00020; TOPMed 0.00022; 1000 Genomes Project 30x 0.00031.
gnomAD v4.1: 230 of 1,614,034 alleles (0.014%); highest among the groups gnomAD compares: Admixed American, 0.03%; no homozygotes.

Submissions (4):

CeGaT Center for Human Genetics Tuebingen
Classification: Likely benign. Last evaluated: 2026-05-01. Review status: criteria provided, single submitter. Criteria: CeGaT Center For Human Genetics Tuebingen Variant Classification Criteria Version 2. Collection method: clinical testing. Allele origin: germline. Affected: yes. Observed: 3 variant alleles.
Comment: CEP104: BP4, BP7

Labcorp Genetics (formerly Invitae), Labcorp
Classification: Likely benign for Joubert syndrome 25. Last evaluated: 2026-01-22. Review status: criteria provided, single submitter. Criteria: Invitae Variant Classification Sherloc (09022015). Collection method: clinical testing. Allele origin: germline.

Blueprint Genetics
Classification: Likely benign. Last evaluated: 2024-10-14. Review status: criteria provided, single submitter. Criteria: ACMG Guidelines, 2015. Collection method: clinical testing. Allele origin: germline.

PreventionGenetics, part of Exact Sciences
Classification: Likely benign for CEP104-related condition. Last evaluated: 2019-06-17. Review status: no assertion criteria provided. Collection method: clinical testing. Allele origin: germline. Not counted in ClinVar's aggregate classification.
Comment: This variant is classified as likely benign based on ACMG/AMP sequence variant interpretation guidelines (Richards et al. 2015 PMID: 25741868, with internal and published modifications).